The following is an entry in ClinVar:

NM_022469.4(GREM2):c.225G>A (p.Thr75=)

Gene: GREM2 (gremlin 2, DAN family BMP antagonist; minus strand). Cytogenetic location: 1q43.
Variant type: single nucleotide variant.
Coding change: c.225G>A on transcript NM_022469.4 (MANE Select); coding-DNA position 225, G replaced by A.
Protein change: p.Thr75=; no amino-acid change (threonine 75 retained).
Molecular consequence: synonymous variant.
Genome position (GRCh38, 1-based): chr1:240,493,251, C>T on the plus strand (G>A on the coding strand, the complement: GREM2 is on the minus strand). VCF-style: chr1-240493251-C-T. GRCh37 (hg19) VCF-style: chr1-240656551-C-T.
Identifiers: ClinVar variation 3048496 (VCV003048496.2), dbSNP rs752063931, ClinGen allele CA1477838.

ClinVar aggregate classification (germline): Likely benign (0 of 4 stars; one submission).

Conditions:
GREM2-related disorder. Also called: GREM2-related condition.

Allele frequency attached by ClinVar (database versions not stated): gnomAD 0.00005; TOPMed 0.00006.
gnomAD v4.1: 138 of 1,613,932 alleles (0.0086%); highest among the groups gnomAD compares: Non-Finnish European, 0.011%; no homozygotes.

Submission:

PreventionGenetics, part of Exact Sciences
Classification: Likely benign for GREM2-related condition. Last evaluated: 2019-11-16. Review status: no assertion criteria provided. Collection method: clinical testing. Allele origin: germline.
Comment: This variant is classified as likely benign based on ACMG/AMP sequence variant interpretation guidelines (Richards et al. 2015 PMID: 25741868, with internal and published modifications).